The following is an entry in ClinVar:

ClinVar aggregate classification (germline): Likely benign (1 of 4 stars; one submission).

gnomAD v4.1: 2 of 1,289,092 alleles (0.00016%); highest among the groups gnomAD compares: Non-Finnish European, 0.0002%; no homozygotes.

Submission:

CeGaT Center for Human Genetics Tuebingen
Classification: Likely benign. Last evaluated: 2026-04-01. Review status: criteria provided, single submitter. Criteria: CeGaT Center For Human Genetics Tuebingen Variant Classification Criteria Version 2. Collection method: clinical testing. Allele origin: germline. Affected: yes. Observed: 1 variant allele.
Comment: WNK1: BP4, BP7

NM_018979.4(WNK1):c.6643+952C>T

Gene: WNK1 (WNK lysine deficient protein kinase 1; plus strand). Cytogenetic location: 12p13.33.
Variant type: single nucleotide variant.
Coding change: c.6643+952C>T on transcript NM_018979.4 (MANE Select); 952 bases into the intron after coding-DNA position 6643, C replaced by T.
Molecular consequence: intron variant.
Genome position (GRCh38, 1-based): chr12:901,622, C>T. VCF-style: chr12-901622-C-T. GRCh37 (hg19) VCF-style: chr12-1010788-C-T.
Other names: c.7399+952C>T (NM_213655.5); c.7423+952C>T (NM_001184985.2); c.5899+952C>T (NM_014823.3).
Identifiers: ClinVar variation 4874311 (VCV004874311.2).
Genomic context (GRCh38, chr12:901,622, plus strand): 5'-CTGTGCGAAGTTTAACTGTGCATCTGAACAGGTGACATTCAAACCTGGTGGCAGGAGGAC[C>T]CGATTTCTGAGTACGCCCTGCTTGGCTCTTTGTGTGTAACACCTTTACTCCTTCCTTGTC-3'